The following is an entry in ClinVar:

ClinVar aggregate classification (germline): Likely benign. Review status: criteria provided, multiple submitters, no conflicts (2 of 4 stars). 3 submissions from 3 submitters: Likely benign (3). Last evaluated 2025-04-18.

Conditions:
DYNC1H1-related disorder. Also called: DYNC1H1-related condition; DYNC1H1-related disorders. Identifiers: MedGen CN381529.
Charcot-Marie-Tooth disease axonal type 2O. Also called: CHARCOT-MARIE-TOOTH NEUROPATHY, AXONAL, TYPE 2O; CHARCOT-MARIE-TOOTH DISEASE, AXONAL, AUTOSOMAL DOMINANT, TYPE 2O; Charcot-Marie-Tooth disease, axonal, type 20; Charcot-Marie-Tooth Neuropathy Type 2O. Identifiers: Orphanet 284232, MedGen C3280220, MONDO:0013644, OMIM 614228.

Allele frequency attached by ClinVar (database versions not stated): ExAC 0.00001; gnomAD 0.00001; gnomAD exomes 0.00001; TOPMed 0.00002.
gnomAD v4.1: 13 of 1,613,978 alleles (0.00081%); highest among the groups gnomAD compares: Non-Finnish European, 0.0011%; no homozygotes.

Submissions (3):

PreventionGenetics, part of Exact Sciences
Classification: Likely benign for DYNC1H1-related condition. Last evaluated: 2025-04-18. Review status: criteria provided, single submitter. Criteria: ACMG Guidelines, 2015. Collection method: clinical testing. Allele origin: germline.
Comment: This variant is classified as likely benign based on ACMG/AMP sequence variant interpretation guidelines (Richards et al. 2015 PMID: 25741868, with internal and published modifications).

Labcorp Genetics (formerly Invitae), Labcorp
Classification: Likely benign for Charcot-Marie-Tooth disease axonal type 2O. Last evaluated: 2024-07-24. Review status: criteria provided, single submitter. Criteria: Invitae Variant Classification Sherloc (09022015). Collection method: clinical testing. Allele origin: germline.

Blueprint Genetics
Classification: Likely benign. Last evaluated: 2023-12-12. Review status: criteria provided, single submitter. Criteria: ACMG Guidelines, 2015. Collection method: clinical testing. Allele origin: germline.

NM_001376.5(DYNC1H1):c.11691-10C>T

Gene: DYNC1H1 (dynein cytoplasmic 1 heavy chain 1; plus strand). Cytogenetic location: 14q32.31.
Variant type: single nucleotide variant.
Coding change: c.11691-10C>T on transcript NM_001376.5 (MANE Select); 10 bases into the intron before coding-DNA position 11691, C replaced by T.
Molecular consequence: intron variant.
Genome position (GRCh38, 1-based): chr14:102,040,226, C>T. VCF-style: chr14-102040226-C-T. GRCh37 (hg19) VCF-style: chr14-102506563-C-T.
Identifiers: ClinVar variation 539794 (VCV000539794.11), dbSNP rs771362494, ClinGen allele CA7353708.
Genomic context (GRCh38, chr14:102,040,226, plus strand): 5'-ACAGCTGTTATCTTAGTGACAGTGGGAGTGAACGTGAGAGACCCTAGCTAACCTGTTGCA[C>T]CCTTCGCAGGGAGCCCACCTACGATGCAGAATTCCAGCACTTCTTGAGAGGAAATGAGAT-3'